The following is an entry in ClinVar:

NM_005228.5(EGFR):c.3262C>T (p.Pro1088Ser)

Gene: EGFR (epidermal growth factor receptor; plus strand). Cytogenetic location: 7p11.2.
Variant type: single nucleotide variant.
Coding change: c.3262C>T on transcript NM_005228.5 (MANE Select); coding-DNA position 3262, C replaced by T.
Protein change: p.Pro1088Ser; replaces proline 1088 with serine.
Molecular consequence: missense variant.
Genome position (GRCh38, 1-based): chr7:55,202,616, C>T. VCF-style: chr7-55202616-C-T. GRCh37 (hg19) VCF-style: chr7-55270309-C-T.
Other names: c.3127C>T, p.Pro1043Ser (NM_001346897.2, NM_001346899.2); c.3262C>T, p.Pro1088Ser (NM_001346898.2); c.3103C>T, p.Pro1035Ser (NM_001346900.2); c.2461C>T, p.Pro821Ser (NM_001346941.2); short protein forms P1088S, P821S, P1035S, P1043S.
Identifiers: ClinVar variation 4247348 (VCV004247348.1).

ClinVar aggregate classification (germline): Uncertain significance (1 of 4 stars; one submission).

Conditions:
Hereditary cancer-predisposing syndrome. Also called: Hereditary Cancer Syndrome; Hereditary neoplastic syndrome; Neoplastic Syndromes, Hereditary; Tumor predisposition. Identifiers: Orphanet 140162, MedGen C0027672, MeSH D009386, MONDO:0015356.

Submission:

Ambry Genetics
Classification: Uncertain significance for Hereditary cancer-predisposing syndrome. Last evaluated: 2025-08-12. Review status: criteria provided, single submitter. Criteria: Ambry Variant Classification Scheme 2023. Collection method: clinical testing. Allele origin: germline.
Comment: The p.P1088S variant (also known as c.3262C>T), located in coding exon 27 of the EGFR gene, results from a C to T substitution at nucleotide position 3262. The proline at codon 1088 is replaced by serine, an amino acid with similar properties. This amino acid position is conserved. In addition, the in silico prediction for this alteration is inconclusive. Based on the available evidence, the clinical significance of this variant remains unclear.